The following is an entry in ClinVar:

NM_000051.4(ATM):c.3882T>C (p.Ile1294=)

Gene: ATM (ATM serine/threonine kinase; plus strand). Cytogenetic location: 11q22.3.
Variant type: single nucleotide variant.
Coding change: c.3882T>C on transcript NM_000051.4 (MANE Select); coding-DNA position 3882, T replaced by C.
Protein change: p.Ile1294=; no amino-acid change (isoleucine 1294 retained).
Molecular consequence: synonymous variant.
Genome position (GRCh38, 1-based): chr11:108,284,362, T>C. VCF-style: chr11-108284362-T-C. GRCh37 (hg19) VCF-style: chr11-108155089-T-C.
Other names: c.3882T>C, p.Ile1294= (NM_001351834.2).
Identifiers: ClinVar variation 1668463 (VCV001668463.11), dbSNP rs1167387894, ClinGen allele CA476745078.

ClinVar aggregate classification (germline): Benign/Likely benign. Review status: criteria provided, multiple submitters, no conflicts (2 of 4 stars). 3 submissions from 3 submitters: Benign (1); Likely benign (2). Last evaluated 2024-05-15.

Conditions:
Hereditary cancer-predisposing syndrome. Also called: Hereditary neoplastic syndrome; Hereditary Cancer Syndrome; Tumor predisposition; Neoplastic Syndromes, Hereditary. Identifiers: Orphanet 140162, MedGen C0027672, MeSH D009386, MONDO:0015356.
Familial cancer of breast. Also called: hereditary breast carcinoma; BREAST CANCER, FAMILIAL; Hereditary breast cancer. Identifiers: Orphanet 227535, MedGen C0346153, MONDO:0016419, OMIM 114480. Disease mechanism: loss of function.
Ataxia-telangiectasia syndrome (AT). Also called: Cerebello-oculocutaneous telangiectasia; Immunodeficiency with ataxia telangiectasia; LOUIS-BAR SYNDROME; Ataxia-telangiectasia, complementation group D; AT, COMPLEMENTATION GROUP C; Ataxia-telangiectasia, complementation group E. Identifiers: Orphanet 100, MedGen C0004135, MONDO:0008840, OMIM 208900.

Allele frequency attached by ClinVar (database versions not stated): gnomAD exomes 0.00001.
gnomAD v4.1: 3 of 1,614,044 alleles (0.00019%); no homozygotes.

Submissions (3):

Myriad Genetics, Inc.
Classification: Benign for Familial cancer of breast. Last evaluated: 2024-05-15. Review status: criteria provided, single submitter. Criteria: Myriad Autosomal Dominant, Autosomal Recessive and X-Linked Classification Criteria (2023). Collection method: clinical testing. Allele origin: unknown.
Comment: This variant is considered benign. This variant is a silent/synonymous amino acid change and it is not expected to impact splicing.

Labcorp Genetics (formerly Invitae), Labcorp
Classification: Likely benign for Ataxia-telangiectasia syndrome. Last evaluated: 2022-01-28. Review status: criteria provided, single submitter. Criteria: Invitae Variant Classification Sherloc (09022015). Collection method: clinical testing. Allele origin: germline.

Ambry Genetics
Classification: Likely benign for Hereditary cancer-predisposing syndrome. Last evaluated: 2019-12-05. Review status: criteria provided, single submitter. Criteria: Ambry Variant Classification Scheme 2023. Collection method: clinical testing. Allele origin: germline.